The following is an entry in ClinVar:

ClinVar aggregate classification (germline): Uncertain significance (1 of 4 stars; one submission).

Conditions:
Dystonic disorder. Also called: Dystonia. Identifiers: MedGen C0013421, MONDO:0003441, HP:0001332.

Submission:

Labcorp Genetics (formerly Invitae), Labcorp
Classification: Uncertain significance for Dystonic disorder. Last evaluated: 2022-12-06. Review status: criteria provided, single submitter. Criteria: Invitae Variant Classification Sherloc (09022015). Collection method: clinical testing. Allele origin: germline.
Comment: This variant has not been reported in the literature in individuals affected with CIZ1-related conditions. This variant is not present in population databases (gnomAD no frequency). This sequence change replaces leucine, which is neutral and non-polar, with glutamine, which is neutral and polar, at codon 257 of the CIZ1 protein (p.Leu257Gln). ClinVar contains an entry for this variant (Variation ID: 970589). In summary, the available evidence is currently insufficient to determine the role of this variant in disease. Therefore, it has been classified as a Variant of Uncertain Significance. Algorithms developed to predict the effect of missense changes on protein structure and function (SIFT, PolyPhen-2, Align-GVGD) all suggest that this variant is likely to be tolerated.

NM_001131016.2(CIZ1):c.770T>A (p.Leu257Gln)

Gene: CIZ1 (CDKN1A interacting zinc finger protein 1; minus strand). Cytogenetic location: 9q34.11.
Variant type: single nucleotide variant.
Coding change: c.770T>A on transcript NM_001131016.2 (MANE Select); coding-DNA position 770, T replaced by A.
Protein change: p.Leu257Gln; replaces leucine 257 with glutamine.
Molecular consequence: missense variant.
Genome position (GRCh38, 1-based): chr9:128,180,436, A>T on the plus strand (T>A on the coding strand, the complement: CIZ1 is on the minus strand). VCF-style: chr9-128180436-A-T. GRCh37 (hg19) VCF-style: chr9-130942715-A-T.
Other names: c.770T>A, p.Leu257Gln (NM_001131015.2, NM_012127.3); c.755T>A, p.Leu252Gln (NM_001131017.2); c.698T>A, p.Leu233Gln (NM_001131018.2); c.860T>A, p.Leu287Gln (NM_001257975.2); c.467T>A, p.Leu156Gln (NM_001257976.2); short protein forms L252Q, L233Q, L287Q, L156Q, L257Q.
Identifiers: ClinVar variation 970589 (VCV000970589.9), dbSNP rs1831430533, ClinGen allele CA375030244.
Genomic context (GRCh38, chr9:128,180,436, plus strand): 5'-GGGCACCCGGGCGCAGGTCAGGTTTTCAGCATCAGTTACCTCCTCAATCTCTTTGCTGGC[A>T]GCTCGGACGCCTCACAAGGCTCAGGCTCAGGTGCTGGAGTGCGTTTTTCCTTGGCGATGT-3'
Protein context (NP_001124488.1, residues 247-267): PEPEPCEASE[Leu257Gln]PAKRLRSSEE